The following is an entry in ClinVar:

NM_007194.4(CHEK2):c.1372A>T (p.Lys458Ter)

Gene: CHEK2 (checkpoint kinase 2; minus strand). Cytogenetic location: 22q12.1.
Variant type: single nucleotide variant.
Coding change: c.1372A>T on transcript NM_007194.4 (MANE Select); coding-DNA position 1372, A replaced by T.
Protein change: p.Lys458Ter; replaces lysine 458 with a stop codon.
Molecular consequence: nonsense.
Genome position (GRCh38, 1-based): chr22:28,695,130, T>A on the plus strand (A>T on the coding strand, the complement: CHEK2 is on the minus strand). VCF-style: chr22-28695130-T-A. GRCh37 (hg19) VCF-style: chr22-29091118-T-A.
Other names: c.1501A>T, p.Lys501Ter (NM_001005735.3); c.709A>T, p.Lys237Ter (NM_001257387.3); c.1171A>T, p.Lys391Ter (NM_001349956.3); c.1285A>T, p.Lys429Ter (NM_145862.3); short protein forms K237*, K458*, K391*, K429*, K501*.
Identifiers: ClinVar variation 4002270 (VCV004002270.1).
Genomic context (GRCh38, chr22:28,695,130, plus strand): 5'-CCACAGCACATACACATTTTAGCATACCACAAATTCTTAACCCTTTCATATTCATACCTT[T>A]CTCTGAGACTTCTGCCCAGACTTCAGGAATGAAGTTGTATTTTCCACTGGTGATCTGATC-3'

ClinVar aggregate classification (germline): Pathogenic (1 of 4 stars; one submission).

Conditions:
Hereditary cancer-predisposing syndrome. Also called: Tumor predisposition; Hereditary neoplastic syndrome; Neoplastic Syndromes, Hereditary; Hereditary Cancer Syndrome. Identifiers: Orphanet 140162, MedGen C0027672, MeSH D009386, MONDO:0015356.

Submission:

Ambry Genetics
Classification: Pathogenic for Hereditary cancer-predisposing syndrome. Last evaluated: 2025-05-28. Review status: criteria provided, single submitter. Criteria: Ambry Variant Classification Scheme 2023. Collection method: clinical testing. Allele origin: germline.
Comment: The p.K458* pathogenic mutation (also known as c.1372A>T), located in coding exon 11 of the CHEK2 gene, results from an A to T substitution at nucleotide position 1372. This changes the amino acid from a lysine to a stop codon within coding exon 11. This variant is considered to be rare based on population cohorts in the Genome Aggregation Database (gnomAD). This alteration is expected to result in loss of function by premature protein truncation or nonsense-mediated mRNA decay. As such, this alteration is interpreted as a disease-causing mutation.